The following is an entry in ClinVar:

ClinVar aggregate classification (germline): Uncertain significance. Review status: criteria provided, multiple submitters, no conflicts (2 of 4 stars). 4 submissions from 4 submitters: Uncertain significance (4). Last evaluated 2026-01-20.

Conditions:
Endometrial carcinoma. Also called: Endometrial carcinoma, somatic. Identifiers: MedGen C0476089, MONDO:0002447, OMIM 608089, HP:0012114.
Hereditary cancer-predisposing syndrome. Also called: Hereditary Cancer Syndrome; Tumor predisposition; Hereditary neoplastic syndrome; Neoplastic Syndromes, Hereditary. Identifiers: Orphanet 140162, MedGen C0027672, MeSH D009386, MONDO:0015356.

Allele frequency attached by ClinVar (database versions not stated): gnomAD exomes 0.00001; ExAC 0.00002; gnomAD 0.00002 and 0.00003; TOPMed 0.00004; ESP Exome Variant Server 0.00015.
gnomAD v4.1: 14 of 1,612,574 alleles (0.00087%); highest among the groups gnomAD compares: African/African-American, 0.0094%; 1 homozygote.

Submissions (4):

Labcorp Genetics (formerly Invitae), Labcorp
Classification: Uncertain significance. Last evaluated: 2026-01-20. Review status: criteria provided, single submitter. Criteria: Invitae Variant Classification Sherloc (09022015). Collection method: clinical testing. Allele origin: germline.
Comment: This sequence change replaces proline, which is neutral and non-polar, with leucine, which is neutral and non-polar, at codon 1012 of the MSH3 protein (p.Pro1012Leu). This variant is present in population databases (rs371367632, gnomAD 0.01%). This variant has not been reported in the literature in individuals affected with MSH3-related conditions. ClinVar contains an entry for this variant (Variation ID: 647552). An algorithm developed to predict the effect of missense changes on protein structure and function (PolyPhen-2) suggests that this variant is likely to be disruptive. In summary, the available evidence is currently insufficient to determine the role of this variant in disease. Therefore, it has been classified as a Variant of Uncertain Significance.

Ambry Genetics
Classification: Uncertain significance for Hereditary cancer-predisposing syndrome. Last evaluated: 2025-11-17. Review status: criteria provided, single submitter. Criteria: Ambry Variant Classification Scheme 2023. Collection method: clinical testing. Allele origin: germline.
Comment: The p.P1012L variant (also known as c.3035C>T), located in coding exon 22 of the MSH3 gene, results from a C to T substitution at nucleotide position 3035. The proline at codon 1012 is replaced by leucine, an amino acid with similar properties. This amino acid position is highly conserved in available vertebrate species. In addition, the in silico prediction for this alteration is inconclusive. Based on the available evidence, the clinical significance of this variant remains unclear.

Center for Genomic Medicine, Rigshospitalet, Copenhagen University Hospital
Classification: Uncertain significance. Last evaluated: 2025-03-04. Review status: criteria provided, single submitter. Criteria: ACMG Guidelines, 2015. Collection method: clinical testing. Allele origin: germline.

Baylor Genetics
Classification: Uncertain significance for Endometrial carcinoma. Last evaluated: 2024-02-27. Review status: criteria provided, single submitter. Criteria: ACMG Guidelines, 2015. Collection method: clinical testing. Allele origin: unknown.

NM_002439.5(MSH3):c.3035C>T (p.Pro1012Leu)

Gene: MSH3 (mutS homolog 3; plus strand). Cytogenetic location: 5q14.1.
Variant type: single nucleotide variant.
Coding change: c.3035C>T on transcript NM_002439.5 (MANE Select); coding-DNA position 3035, C replaced by T.
Protein change: p.Pro1012Leu; replaces proline 1012 with leucine.
Molecular consequence: missense variant.
Genome position (GRCh38, 1-based): chr5:80,864,847, C>T. VCF-style: chr5-80864847-C-T. GRCh37 (hg19) VCF-style: chr5-80160666-C-T.
Other names: short protein forms P1012L.
Identifiers: ClinVar variation 647552 (VCV000647552.18), dbSNP rs371367632, ClinGen allele CA3328435.